The following is an entry in ClinVar:

ClinVar aggregate classification (germline): Pathogenic (1 of 4 stars; one submission).

Submission:

Labcorp Genetics (formerly Invitae), Labcorp
Classification: Pathogenic. Last evaluated: 2025-01-10. Review status: criteria provided, single submitter. Criteria: Invitae Variant Classification Sherloc (09022015). Collection method: clinical testing. Allele origin: germline.
Comment: This sequence change creates a premature translational stop signal (p.Ile1308Glnfs*5) in the TCF20 gene. It is expected to result in an absent or disrupted protein product. Loss-of-function variants in TCF20 are known to be pathogenic (PMID: 30739909, 30819258). This variant is not present in population databases (gnomAD no frequency). This variant has not been reported in the literature in individuals affected with TCF20-related conditions. For these reasons, this variant has been classified as Pathogenic.

Literature cited by the submitters: PubMed 30739909; PubMed 30819258.

NM_001378418.1(TCF20):c.3922_3923del (p.Ile1308fs)

Gene: TCF20 (transcription factor 20; minus strand). Cytogenetic location: 22q13.2.
Variant type: Microsatellite.
Coding change: c.3922_3923del on transcript NM_001378418.1 (MANE Select); coding-DNA positions 3922 to 3923, 2 bases deleted (AT; older notation c.3922_3923delAT).
Protein change: p.Ile1308fs; shifts the reading frame from isoleucine 1308.
Molecular consequence: frameshift variant.
Genome position (GRCh38, 1-based): chr22:42,211,383-42,211,384, AT deleted on the plus strand (AT on the coding strand, the reverse complement: TCF20 is on the minus strand); deleting any 2 consecutive bases within chr22:42,211,383-42,211,386 gives the same sequence; the c. name uses the placement nearest the transcript's 3' end. VCF-style (leftmost placement, unchanged base first): chr22-42211382-GAT-G. GRCh37 (hg19) VCF-style: chr22-42607388-GAT-G.
Other names: c.3922_3923del, p.Ile1308fs (NM_005650.4, NM_181492.3); short protein forms I1308fs.
Identifiers: ClinVar variation 3726668 (VCV003726668.2).